The following is an entry in ClinVar:

NM_004818.3(DDX23):c.697G>A (p.Gly233Arg)

Gene: DDX23 (DEAD-box helicase 23; minus strand). Cytogenetic location: 12q13.12.
Variant type: single nucleotide variant.
Coding change: c.697G>A on transcript NM_004818.3 (MANE Select); coding-DNA position 697, G replaced by A.
Protein change: p.Gly233Arg; replaces glycine 233 with arginine.
Molecular consequence: missense variant.
Genome position (GRCh38, 1-based): chr12:48,837,580, C>T on the plus strand (G>A on the coding strand, the complement: DDX23 is on the minus strand). VCF-style: chr12-48837580-C-T. GRCh37 (hg19) VCF-style: chr12-49231363-C-T.
Other names: short protein forms G233R.
Identifiers: ClinVar variation 1698304 (VCV001698304.3), dbSNP rs2137485212, ClinGen allele CA384678558.

ClinVar aggregate classification (germline): Uncertain significance (1 of 4 stars; one submission).

Submission:

GeneDx
Classification: Uncertain significance. Last evaluated: 2022-09-16. Review status: criteria provided, single submitter. Criteria: GeneDx Variant Classification Process June 2021. Collection method: clinical testing. Allele origin: germline.
Comment: Not observed at significant frequency in large population cohorts (gnomAD); In silico analysis supports that this missense variant does not alter protein structure/function; Has not been previously published as pathogenic or benign to our knowledge